The following is an entry in ClinVar:

ClinVar aggregate classification (germline): Uncertain significance. Review status: criteria provided, multiple submitters, no conflicts (2 of 4 stars). 2 submissions from 2 submitters: Uncertain significance (2). Last evaluated 2024-01-30.

Allele frequency attached by ClinVar (database versions not stated): 1000 Genomes Project 30x 0.00016.
gnomAD v4.1: 18 of 1,613,518 alleles (0.0011%); highest among the groups gnomAD compares: East Asian, 0.016%; no homozygotes.

Submissions (2):

Ambry Genetics
Classification: Uncertain significance. Last evaluated: 2024-01-30. Review status: criteria provided, single submitter. Criteria: Ambry Variant Classification Scheme 2023. Collection method: clinical testing. Allele origin: germline.

Labcorp Genetics (formerly Invitae), Labcorp
Classification: Uncertain significance. Last evaluated: 2022-01-17. Review status: criteria provided, single submitter. Criteria: Invitae Variant Classification Sherloc (09022015). Collection method: clinical testing. Allele origin: germline.
Comment: This sequence change replaces arginine, which is basic and polar, with glycine, which is neutral and non-polar, at codon 333 of the BCAT2 protein (p.Arg333Gly). This variant is present in population databases (rs149621078, gnomAD 0.03%). This variant has not been reported in the literature in individuals affected with BCAT2-related conditions. Algorithms developed to predict the effect of missense changes on protein structure and function are either unavailable or do not agree on the potential impact of this missense change (SIFT: "Tolerated"; PolyPhen-2: "Possibly Damaging"; Align-GVGD: "Class C0"). In summary, the available evidence is currently insufficient to determine the role of this variant in disease. Therefore, it has been classified as a Variant of Uncertain Significance.

NM_001190.4(BCAT2):c.997C>G (p.Arg333Gly)

Gene: BCAT2 (branched chain amino acid transaminase 2; minus strand). Cytogenetic location: 19q13.33.
Variant type: single nucleotide variant.
Coding change: c.997C>G on transcript NM_001190.4 (MANE Select); coding-DNA position 997, C replaced by G.
Protein change: p.Arg333Gly; replaces arginine 333 with glycine.
Molecular consequence: missense variant.
Genome position (GRCh38, 1-based): chr19:48,796,646, G>C on the plus strand (C>G on the coding strand, the complement: BCAT2 is on the minus strand). VCF-style: chr19-48796646-G-C. GRCh37 (hg19) VCF-style: chr19-49299903-G-C.
Other names: c.721C>G, p.Arg241Gly (NM_001164773.2); c.877C>G, p.Arg293Gly (NM_001284325.2); c.997C>G (NM_001190.3); short protein forms R333G, R241G, R293G.
Identifiers: ClinVar variation 2176805 (VCV002176805.2), dbSNP rs149621078, ClinGen allele CA9558226.